The following is an entry in ClinVar:

ClinVar aggregate classification (germline): Uncertain significance. Review status: criteria provided, multiple submitters, no conflicts (2 of 4 stars). 6 submissions from 6 submitters: Uncertain significance (6). Last evaluated 2025-02-16.

Conditions:
Hereditary cancer-predisposing syndrome. Also called: Hereditary neoplastic syndrome; Neoplastic Syndromes, Hereditary; Tumor predisposition; Hereditary Cancer Syndrome. Identifiers: Orphanet 140162, MedGen C0027672, MeSH D009386, MONDO:0015356.
Tuberous sclerosis syndrome (TSC). Also called: Tuberous Sclerosis Complex; Tuberous sclerosis. Identifiers: Orphanet 805, MedGen C0041341, MONDO:0001734.
Tuberous sclerosis 2 (TSC2). Identifiers: Orphanet 805, MedGen C1860707, MONDO:0013199, OMIM 613254.

Submissions (6):

Ambry Genetics
Classification: Uncertain significance for Hereditary cancer-predisposing syndrome. Last evaluated: 2025-02-16. Review status: criteria provided, single submitter. Criteria: Ambry Variant Classification Scheme 2023. Collection method: clinical testing. Allele origin: germline.
Comment: The p.Y790C variant (also known as c.2369A>G), located in coding exon 21 of the TSC2 gene, results from an A to G substitution at nucleotide position 2369. The tyrosine at codon 790 is replaced by cysteine, an amino acid with highly dissimilar properties. This amino acid position is conserved. In addition, this alteration is predicted to be deleterious by in silico analysis. Based on the available evidence, the clinical significance of this variant remains unclear.

All of Us Research Program, National Institutes of Health
Classification: Uncertain significance for Tuberous sclerosis syndrome. Last evaluated: 2023-02-24. Review status: criteria provided, single submitter. Criteria: ACMG Guidelines, 2015. Collection method: clinical testing. Allele origin: germline. Inheritance: Autosomal dominant inheritance. Observed: 1 variant allele, 1 heterozygote.
Comment: This missense variant replaces tyrosine with cysteine at codon 790 of the TSC2 protein. Computational prediction is inconclusive regarding the impact of this variant on protein structure and function (internally defined REVEL score threshold 0.5 < inconclusive < 0.7, PMID: 27666373). To our knowledge, functional studies have not been reported for this variant. This variant has not been reported in individuals affected with tuberous sclerosis complex in the literature. This variant has not been identified in the general population by the Genome Aggregation Database (gnomAD). The available evidence is insufficient to determine the role of this variant in disease conclusively. Therefore, this variant is classified as a Variant of Uncertain Significance.

This study involves interpretation of variants in research participants for the purpose of population health screening. Participant phenotype was not available at the time of variant classification. Additional details can be found in publication PMID: 35346344, PMCID: PMC8962531

Labcorp Genetics (formerly Invitae), Labcorp
Classification: Uncertain significance for Tuberous sclerosis 2. Last evaluated: 2022-09-20. Review status: criteria provided, single submitter. Criteria: Invitae Variant Classification Sherloc (09022015). Collection method: clinical testing. Allele origin: germline.
Comment: In summary, the available evidence is currently insufficient to determine the role of this variant in disease. Therefore, it has been classified as a Variant of Uncertain Significance. Advanced modeling of protein sequence and biophysical properties (such as structural, functional, and spatial information, amino acid conservation, physicochemical variation, residue mobility, and thermodynamic stability) performed at Invitae indicates that this missense variant is not expected to disrupt TSC2 protein function. ClinVar contains an entry for this variant (Variation ID: 467939). This variant has not been reported in the literature in individuals affected with TSC2-related conditions. This variant is not present in population databases (gnomAD no frequency). This sequence change replaces tyrosine, which is neutral and polar, with cysteine, which is neutral and slightly polar, at codon 790 of the TSC2 protein (p.Tyr790Cys).

Genome-Nilou Lab
Classification: Uncertain significance for Tuberous sclerosis 2. Last evaluated: 2021-11-07. Review status: criteria provided, single submitter. Criteria: ACMG Guidelines, 2015. Collection method: clinical testing. Allele origin: germline. Affected: no.

GeneDx
Classification: Uncertain significance. Last evaluated: 2020-01-22. Review status: criteria provided, single submitter. Criteria: GeneDx Variant Classification Process June 2021. Collection method: clinical testing. Allele origin: germline. Affected: yes.
Comment: Not observed in large population cohorts (Lek et al., 2016); In silico analysis, which includes protein predictors and evolutionary conservation, supports a deleterious effect; Has not been previously published as pathogenic or benign to our knowledge

Genomic Research Center, Shahid Beheshti University of Medical Sciences
Classification: Uncertain significance. Last evaluated: 2019-01-01. Review status: criteria provided, single submitter. Criteria: ACMG Guidelines, 2015. Collection method: clinical testing. Allele origin: unknown. Affected: yes. Observed: 1 variant allele.

NM_000548.5(TSC2):c.2369A>G (p.Tyr790Cys)

Gene: TSC2 (TSC complex subunit 2; plus strand). Cytogenetic location: 16p13.3.
Variant type: single nucleotide variant.
Coding change: c.2369A>G on transcript NM_000548.5 (MANE Select); coding-DNA position 2369, A replaced by G.
Protein change: p.Tyr790Cys; replaces tyrosine 790 with cysteine.
Molecular consequence: missense variant.
Genome position (GRCh38, 1-based): chr16:2,074,213, A>G. VCF-style: chr16-2074213-A-G. GRCh37 (hg19) VCF-style: chr16-2124214-A-G.
Other names: c.2369A>G, p.Tyr790Cys (NM_001077183.3, NM_001114382.3, NM_001363528.2 and 3 more transcripts); c.2258A>G, p.Tyr753Cys (NM_001318827.2); c.2222A>G, p.Tyr741Cys (NM_001318829.2); c.1769A>G, p.Tyr590Cys (NM_001318831.2); c.2402A>G, p.Tyr801Cys (NM_001318832.2); short protein forms Y790C, Y801C, Y741C, Y590C, Y753C.
Identifiers: ClinVar variation 467939 (VCV000467939.19), dbSNP rs1555507478, ClinGen allele CA394276986.